The following is an entry in ClinVar:

ClinVar aggregate classification (germline): Conflicting classifications of pathogenicity. Review status: criteria provided, conflicting classifications (1 of 4 stars). 9 submissions from 9 submitters: Pathogenic (6); Likely pathogenic (2); Uncertain significance (1). Last evaluated 2025-10-28.

Conditions:
GBA-related disorder. Also called: GBA-related disorders.
Gaucher disease. Also called: Acute cerebral Gaucher disease; Cerebroside lipidosis syndrome; Gaucher splenomegaly; Sphingolipidosis 1; Glucocerebrosidosis; Glucosylceramidase deficiency. Identifiers: Orphanet 355, MedGen C0017205, MONDO:0018150.
Gaucher disease type I (GD1). Also called: Gaucher's disease, type 1; ACID BETA-GLUCOSIDASE DEFICIENCY; Type 1 Gaucher Disease; GD 1; GAUCHER DISEASE, NONCEREBRAL JUVENILE; GBA DEFICIENCY. Identifiers: Orphanet 355, Orphanet 77259, MedGen C1961835, MONDO:0009265, OMIM 230800.

Allele frequency attached by ClinVar (database versions not stated): TOPMed below 0.00001; gnomAD exomes 0.00003; ExAC 0.00006.
gnomAD v4.1: 16 of 1,614,190 alleles (0.00099%); highest among the groups gnomAD compares: Non-Finnish European, 0.0013%; no homozygotes.

Submissions (9):

Women's Health and Genetics/Laboratory Corporation of America, LabCorp
Classification: Pathogenic for Gaucher disease. Last evaluated: 2025-10-28. Review status: criteria provided, single submitter. Criteria: LabCorp Variant Classification Summary - May 2015. Collection method: clinical testing. Allele origin: germline.
Comment: Variant summary: GBA1 c.437C>T (p.Ser146Leu) results in a non-conservative amino acid change in the encoded protein sequence. Algorithms developed to predict the effect of missense changes on protein structure and function are either unavailable or do not agree on the potential impact of this missense change. The variant allele was found at a frequency of 3.2e-05 in 251456 control chromosomes. c.437C>T has been observed in multiple individuals affected with Gaucher Disease in trans with pathogenic variants (e.g., Demina_1998, Wong_2004, Ortiz-Cabrera_2016, Braunstein_2018, Lorenz_2018, Ivanova_2019). These data indicate that the variant is very likely to be associated with disease. The following publications have been ascertained in the context of this evaluation (PMID: 9554454, 15234332, 30633777, 27816428, 27872820, 27856178). ClinVar contains an entry for this variant (Variation ID: 197702). Based on the evidence outlined above, the variant was classified as pathogenic.

Natera, Inc.
Classification: Pathogenic for Gaucher disease. Last evaluated: 2025-09-15. Review status: criteria provided, single submitter. Criteria: Natera Variant Classification Schema (03/2026). Collection method: clinical testing. Allele origin: germline.
Comment: The c.437C>T variant in GBA1 is a missense variant predicted to cause substitution of serine to leucine at amino acid 146. This variant is rare in the general population with a frequency below the threshold expected for the associated phenotype(s). This variant has been observed in one or more individuals affected with the associated recessive disease, as either homozygous or compound heterozygous with a second variant (PMID: 10744424, 15329082, 22247978, 27872820, 33473340). Computational prediction algorithms indicate this variant is likely to affect gene or protein function. Given the available evidence, this variant is classified as Pathogenic.

Revvity Omics, Revvity
Classification: Pathogenic. Last evaluated: 2024-06-04. Review status: criteria provided, single submitter. Criteria: ACMG Guidelines, 2015. Collection method: clinical testing. Allele origin: germline.

Blueprint Genetics
Classification: Pathogenic for GBA-related disorders. Last evaluated: 2023-08-04. Review status: criteria provided, single submitter. Criteria: ACMG Guidelines, 2015. Collection method: clinical testing. Allele origin: germline. Affected: yes. Observed: 1 variant allele.

GeneDx
Classification: Likely pathogenic. Last evaluated: 2022-03-02. Review status: criteria provided, single submitter. Criteria: GeneDx Variant Classification Process June 2021. Collection method: clinical testing. Allele origin: germline. Affected: yes.
Comment: Previously reported in the heterozygous state in an individual with Parkinson disease (Pakarulrazy et al., 2020); In silico analysis supports that this missense variant has a deleterious effect on protein structure/function; This variant is associated with the following publications: (PMID: 27836528, 27789132, 9516376, 24262167, 32165122, 10744424, 12970647, 25567624, 15329082, 27816428, 23056756, 10649495, 34072542, 27872820, 9554454, 30949558, Pakarulrazy2020[article], 22247978, 32658388, 33473340)

CENTOGENE GmbH and LLC - Guiding Precision Medicine
Classification: Pathogenic for Gaucher disease type I. Last evaluated: 2021-02-23. Review status: criteria provided, single submitter. Criteria: ACMG Guidelines, 2015. Collection method: clinical testing. Allele origin: germline. Affected: yes.

Broad Center for Mendelian Genomics, Broad Institute of MIT and Harvard
Classification: Pathogenic for Gaucher disease. Last evaluated: 2020-01-13. Review status: criteria provided, single submitter. Criteria: ACMG Guidelines, 2015. Collection method: curation. Allele origin: germline. Inheritance: Autosomal recessive inheritance.
Comment: The p.Ser146Leu variant in GBA has been reported in 7 individuals with Gaucher Disease (PMID: 15329082, 30949558; doi:10.4172/2167-0889.1000122) and has been identified in 0.006% (7/113742) of European (non-Finnish) chromosomes and 0.006% (1/16254) of African chromosomes by the Genome Aggregation Database (gnomAD; dbSNP rs758447515). Although this variant has been seen in the general population, its frequency is low enough to be consistent with a recessive carrier frequency. This variant has also been reported in ClinVar (VariationID: 197702) as a VUS by EGL Genetic Diagnostics. Computational prediction tools and conservation analyses suggest that this variant may impact the protein, though this information is not predictive enough to determine pathogenicity. The presence of this variant in combination with reported pathogenic variants in 6 individuals with Gaucher Disease increases the likelihood that the p.Ser146Leu variant is pathogenic (VariationID: 4290; PMID: 30949558; doi:10.4172/2167-0889.1000122). The p.Ser146Leu variant is located in the catalytic domain of GBA, suggesting that this variant is in a functional domain and supports pathogenicity (PMID: 30949558). The phenotype of individuals compound heterozygous for this variant is highly specific for Gaucher Disease based on low glucocerebrosidase activity consistent with disease (PMID: 15329082; doi:10.4172/2167-0889.1000122). In summary, this variant meets criteria to be classified as pathogenic for Gaucher Disease in an autosomal recessive manner based on the presence of the variant in combination with other pathogenic variants, the variant being located in a functional domain, and the phenotype of an individual with the variant being highly specific for Gaucher Disease. ACMG/AMP Criteria applied: PM3_strong, PM2, PM1, PP3, PP4 (Richards 2015).

Ambry Genetics
Classification: Likely pathogenic. Last evaluated: 2017-07-10. Review status: criteria provided, single submitter. Criteria: Ambry Variant Classification Scheme 2023. Collection method: clinical testing. Allele origin: germline.
Comment: The p.S146L variant (also known as c.437C>T and S107L), located in coding exon 4 of the GBA gene, results from a C to T substitution at nucleotide position 437. The serine at codon 146 is replaced by leucine, an amino acid with dissimilar properties. This variant was detected in conjunction with a pathogenic GBA alteration in individuals with type 1 and type 2 Gaucher disease; however, phase of the alterations was not confirmed (Demina A et al. Acta Haematol., 1998;99:80-2; Machaczka M et al. Ups. J. Med. Sci., 2012 Mar;117:28-34; Ortiz-Cabrera NV et al. Mol Genet Metab Rep, 2016 Dec;9:79-85). This amino acid position is not well conserved in available vertebrate species. In addition, this alteration is predicted to be deleterious by in silico analysis. Based on the majority of available evidence to date, this variant is likely to be pathogenic.

Eurofins Ntd Llc (ga)
Classification: Uncertain significance. Last evaluated: 2014-09-05. Review status: criteria provided, single submitter. Criteria: EGL Classification Definitions 2015. Collection method: clinical testing. Allele origin: germline. Observed: 1 variant allele, 1 heterozygote.

Literature cited by the submitters: PubMed 27856178 (cited by Women's Health and Genetics/Laboratory Corporation of America, LabCorp); PubMed 9554454 (cited by 3 submitters); PubMed 27872820 (cited by 3 submitters); PubMed 30633777 (cited by Women's Health and Genetics/Laboratory Corporation of America, LabCorp); PubMed 27816428 (cited by Women's Health and Genetics/Laboratory Corporation of America, LabCorp and Ambry Genetics); PubMed 15234332 (cited by Women's Health and Genetics/Laboratory Corporation of America, LabCorp); PubMed 10744424 (cited by Natera, Inc.); PubMed 15329082 (cited by Natera, Inc. and Broad Center for Mendelian Genomics, Broad Institute of MIT and Harvard); PubMed 22247978 (cited by Natera, Inc. and Ambry Genetics); PubMed 33473340 (cited by Natera, Inc.); PubMed 30949558 (cited by Broad Center for Mendelian Genomics, Broad Institute of MIT and Harvard); PubMed 27836528 (cited by Ambry Genetics); PubMed 9516376 (cited by Ambry Genetics).

NM_000157.4(GBA1):c.437C>T (p.Ser146Leu)

Genes: GBA1 (glucosylceramidase beta 1; minus strand), LOC106627981 (GBA recombination region; plus strand). Cytogenetic location: 1q22.
Variant type: single nucleotide variant.
Coding change: c.437C>T on transcript NM_000157.4 (MANE Select); coding-DNA position 437, C replaced by T.
Protein change: p.Ser146Leu; replaces serine 146 with leucine.
Molecular consequence: missense variant. On other transcripts: intron variant (1).
Genome position (GRCh38, 1-based): chr1:155,239,633, G>A on the plus strand (C>T on the coding strand, the complement: GBA1 is on the minus strand). VCF-style: chr1-155239633-G-A. GRCh37 (hg19) VCF-style: chr1-155209424-G-A.
Other names: c.437C>T, p.Ser146Leu (NM_001005741.3, NM_001005742.3); c.176C>T, p.Ser59Leu (NM_001171811.2); c.307+253C>T (NM_001171812.2); short protein forms S146L, S59L.
Identifiers: ClinVar variation 197702 (VCV000197702.16), dbSNP rs758447515, ClinGen allele CA245985.